The following is an entry in ClinVar:

NM_002705.5(PPL):c.4781G>A (p.Arg1594Gln)

Gene: PPL (periplakin; minus strand). Cytogenetic location: 16p13.3.
Variant type: single nucleotide variant.
Coding change: c.4781G>A on transcript NM_002705.5 (MANE Select); coding-DNA position 4781, G replaced by A.
Protein change: p.Arg1594Gln; replaces arginine 1594 with glutamine.
Molecular consequence: missense variant.
Genome position (GRCh38, 1-based): chr16:4,883,874, C>T on the plus strand (G>A on the coding strand, the complement: PPL is on the minus strand). VCF-style: chr16-4883874-C-T. GRCh37 (hg19) VCF-style: chr16-4933875-C-T.
Other names: c.4781G>A (NM_002705.4); short protein forms R1594Q.
Identifiers: ClinVar variation 3025425 (VCV003025425.23), dbSNP rs140342271, ClinGen allele CA7885252.

ClinVar aggregate classification (germline): Conflicting classifications of pathogenicity. Review status: criteria provided, conflicting classifications (1 of 4 stars). 2 submissions from 2 submitters: Uncertain significance (1); Likely benign (1). Last evaluated 2024-02-01.

Allele frequency attached by ClinVar (database versions not stated): 1000 Genomes Project 30x 0.00031; 1000 Genomes Project 0.00040; ExAC 0.00042; ESP Exome Variant Server 0.00062; gnomAD 0.00072; TOPMed 0.00088.
gnomAD v4.1: 821 of 1,614,022 alleles (0.051%); highest among the groups gnomAD compares: Middle Eastern, 0.28%; 1 homozygote.

Submissions (2):

CeGaT Center for Human Genetics Tuebingen
Classification: Likely benign. Last evaluated: 2024-02-01. Review status: criteria provided, single submitter. Criteria: CeGaT Center For Human Genetics Tuebingen Variant Classification Criteria Version 2. Collection method: clinical testing. Allele origin: germline. Affected: yes. Observed: 1 variant allele.
Comment: PPL: BP4

Ambry Genetics
Classification: Uncertain significance. Last evaluated: 2021-08-16. Review status: criteria provided, single submitter. Criteria: Ambry Variant Classification Scheme 2023. Collection method: clinical testing. Allele origin: germline.